The following is an entry in ClinVar:

ClinVar aggregate classification (germline): Uncertain significance (1 of 4 stars; one submission).

Submission:

GeneDx
Classification: Uncertain significance. Last evaluated: 2025-08-11. Review status: criteria provided, single submitter. Criteria: GeneDx Variant Classification Process June 2021. Collection method: clinical testing. Allele origin: germline. Affected: yes.
Comment: Not observed at significant frequency in large population cohorts (gnomAD); In silico analysis supports that this missense variant has a deleterious effect on protein structure/function; Has not been previously published as pathogenic or benign to our knowledge

NM_006517.5(SLC16A2):c.436G>A (p.Val146Ile)

Gene: SLC16A2 (solute carrier family 16 member 2; plus strand). Cytogenetic location: Xq13.2.
Variant type: single nucleotide variant.
Coding change: c.436G>A on transcript NM_006517.5 (MANE Select); coding-DNA position 436, G replaced by A.
Protein change: p.Val146Ile; replaces valine 146 with isoleucine.
Molecular consequence: missense variant.
Genome position (GRCh38, 1-based): chrX:74,520,995, G>A. VCF-style: chrX-74520995-G-A. GRCh37 (hg19) VCF-style: chrX-73740830-G-A.
Other names: short protein forms V146I.
Identifiers: ClinVar variation 4795587 (VCV004795587.1).
Genomic context (GRCh38, chrX:74,520,995, plus strand): 5'-GTACCACCAGGCACTACACTAAGCTAAAGTGTCTTTGCACTTGTTTTCTCTGCAGCATGG[G>A]TCGGAGCCCTCGCGATGGGTATGATCTTCTTCTGTTCTCCCATTGTGAGTATATTCACTG-3'
Protein context (NP_006508.2, residues 136-156): NRQVEFQAAW[Val146Ile]GALAMGMIFF